The following is an entry in ClinVar:

ClinVar aggregate classification (germline): Uncertain significance (0 of 4 stars; one submission).

Conditions:
GCNT2-related disorder. Also called: GCNT2-related condition.

gnomAD v4.1: 25 of 1,614,096 alleles (0.0015%); highest among the groups gnomAD compares: Admixed American, 0.013%; no homozygotes.

Submission:

PreventionGenetics, part of Exact Sciences
Classification: Uncertain significance for GCNT2-related condition. Last evaluated: 2024-08-07. Review status: no assertion criteria provided. Collection method: clinical testing. Allele origin: germline.
Comment: The GCNT2 c.306T>G variant is predicted to result in the amino acid substitution p.His102Gln. To our knowledge, this variant has not been reported in the literature. This variant is reported in 0.012% of alleles in individuals of Latino descent in gnomAD. At this time, the clinical significance of this variant is uncertain due to the absence of conclusive functional and genetic evidence.

NM_001491.3(GCNT2):c.306T>G (p.His102Gln)

Gene: GCNT2 (glucosaminyl (N-acetyl) transferase 2 (I blood group); plus strand). Cytogenetic location: 6p24.3.
Variant type: single nucleotide variant.
Coding change: c.306T>G on transcript NM_001491.3 (MANE Plus Clinical); coding-DNA position 306, T replaced by G.
Protein change: p.His102Gln; replaces histidine 102 with glutamine.
Molecular consequence: missense variant. On other transcripts: intron variant (2).
Genome position (GRCh38, 1-based): chr6:10,556,729, T>G. VCF-style: chr6-10556729-T-G. GRCh37 (hg19) VCF-style: chr6-10556962-T-G.
Other names: c.925+26893T>G (NM_145649.5, NM_001374747.1); short protein forms H102Q.
Identifiers: ClinVar variation 3355412 (VCV003355412.1).